The following is an entry in ClinVar:

ClinVar aggregate classification (germline): Uncertain significance (1 of 4 stars; one submission).

Conditions:
Tuberous sclerosis 1 (TSC1). Identifiers: Orphanet 805, MedGen C1854465, MONDO:0008612, OMIM 191100.

Submission:

Labcorp Genetics (formerly Invitae), Labcorp
Classification: Uncertain significance for Tuberous sclerosis 1. Last evaluated: 2022-09-27. Review status: criteria provided, single submitter. Criteria: Invitae Variant Classification Sherloc (09022015). Collection method: clinical testing. Allele origin: germline.
Comment: This variant is not present in population databases (gnomAD no frequency). This sequence change inserts a large fragment of DNA, likely a transposable element, in exon 22 of the TSC1 gene (c.2958_2959ins?), causing a frameshift at codon 987 (p.Glu987fs). The exact size and sequence of the insertion cannot be determined by the current assay. However, the insertion is expected to result in an absent or disrupted protein product. In summary, the available evidence is currently insufficient to determine the role of this variant in disease. Therefore, it has been classified as a Variant of Uncertain Significance. Retrotransposon insertions including LINE1 (L1), Alu, and SVA (SINE-VNTR-Alu) have been reported to disrupt protein function (PMID: 19763152, 20307669, 22406018). However the effect of this particular variant is unknown. Algorithms developed to predict the effect of sequence changes on RNA splicing suggest that this variant may disrupt the consensus splice site. This variant has not been reported in the literature in individuals affected with TSC1-related conditions.

Literature cited by the submitters: PubMed 19763152; PubMed 20307669; PubMed 22406018.

NM_000368.5(TSC1):c.2958_2959insCTCCCTCTCCCTCTCCCTCTCCCACGGCCGCGGGCACCCCCCGCACACCGCCACACACCCACCCAAACCCCCAACAGCNNNNNNNNNNAAAAAAAAAAAAAAAAAAAAAAGAAAAAGCAGAAGCAGCT (p.Glu987fs)

Gene: TSC1 (TSC complex subunit 1; minus strand). Cytogenetic location: 9q34.13.
Variant type: Insertion.
Coding change: c.2958_2959insCTCCCTCTCCCTCTCCCTCTCCCACGGCCGCGGGCACCCCCCGCACACCGCCACACACCCACCCAAACCCCCAACAGCNNNNNNNNNNAAAAAAAAAAAAAAAAAAAAAAGAAAAAGCAGAAGCAGCT on transcript NM_000368.5 (MANE Select); coding-DNA positions 2958 to 2959, CTCCCTCTCCCTCTCCCTCTCCCACGGCCGCGGGCACCCCCCGCACACCGCCACACACCCACCCAAACCCCCAACAGCNNNNNNNNNNAAAAAAAAAAAAAAAAAAAAAAGAAAAAGCAGAAGCAGCT inserted.
Protein change: p.Glu987fs; shifts the reading frame from glutamic acid 987.
Molecular consequence: frameshift variant. On other transcripts: non-coding transcript variant (5).
Genome position: GRCh38: chr9:132,897,220-132,897,221. GRCh37 (hg19): chr9:135,772,607-135,772,608.
Other names: c.2955_2956insCTCCCTCTCCCTCTCCCTCTCCCACGGCCGCGGGCACCCCCCGCACACCGCCACACACCCACCCAAACCCCCAACAGCNNNNNNNNNNAAAAAAAAAAAAAAAAAAAAAAGAAAAAGCAGAAGCAGCT, p.Glu986fs (NM_001162426.2, NM_001406597.1, NM_001406598.1 and 2 more transcripts); c.2805_2806insCTCCCTCTCCCTCTCCCTCTCCCACGGCCGCGGGCACCCCCCGCACACCGCCACACACCCACCCAAACCCCCAACAGCNNNNNNNNNNAAAAAAAAAAAAAAAAAAAAAAGAAAAAGCAGAAGCAGCT, p.Glu936fs (NM_001162427.2, NM_001406610.1); c.2595_2596insCTCCCTCTCCCTCTCCCTCTCCCACGGCCGCGGGCACCCCCCGCACACCGCCACACACCCACCCAAACCCCCAACAGCNNNNNNNNNNAAAAAAAAAAAAAAAAAAAAAAGAAAAAGCAGAAGCAGCT, p.Glu866fs (NM_001362177.2, NM_001406614.1, NM_001406615.1 and 4 more transcripts); c.2958_2959insCTCCCTCTCCCTCTCCCTCTCCCACGGCCGCGGGCACCCCCCGCACACCGCCACACACCCACCCAAACCCCCAACAGCNNNNNNNNNNAAAAAAAAAAAAAAAAAAAAAAGAAAAAGCAGAAGCAGCT, p.Glu987fs (NM_001406592.1, NM_001406593.1, NM_001406594.1 and 2 more transcripts); c.2943_2944insCTCCCTCTCCCTCTCCCTCTCCCACGGCCGCGGGCACCCCCCGCACACCGCCACACACCCACCCAAACCCCCAACAGCNNNNNNNNNNAAAAAAAAAAAAAAAAAAAAAAGAAAAAGCAGAAGCAGCT, p.Glu982fs (NM_001406601.1, NM_001406602.1); c.2940_2941insCTCCCTCTCCCTCTCCCTCTCCCACGGCCGCGGGCACCCCCCGCACACCGCCACACACCCACCCAAACCCCCAACAGCNNNNNNNNNNAAAAAAAAAAAAAAAAAAAAAAGAAAAAGCAGAAGCAGCT, p.Glu981fs (NM_001406603.1, NM_001406604.1); c.2916_2917insCTCCCTCTCCCTCTCCCTCTCCCACGGCCGCGGGCACCCCCCGCACACCGCCACACACCCACCCAAACCCCCAACAGCNNNNNNNNNNAAAAAAAAAAAAAAAAAAAAAAGAAAAAGCAGAAGCAGCT, p.Glu973fs (NM_001406605.1, NM_001406606.1, NM_001406607.1); c.2913_2914insCTCCCTCTCCCTCTCCCTCTCCCACGGCCGCGGGCACCCCCCGCACACCGCCACACACCCACCCAAACCCCCAACAGCNNNNNNNNNNAAAAAAAAAAAAAAAAAAAAAAGAAAAAGCAGAAGCAGCT, p.Glu972fs (NM_001406608.1, NM_001406609.1); and 8 more; short protein forms E636fs, E865fs, E921fs, E935fs, E982fs, E852fs, E936fs, E987fs.
Identifiers: ClinVar variation 2806931 (VCV002806931.3), dbSNP rs2538474693.